The following is an entry in ClinVar:

NM_000260.4(MYO7A):c.4800del (p.Leu1601fs)

Gene: MYO7A (myosin VIIA; plus strand). Cytogenetic location: 11q13.5.
Variant type: Deletion.
Coding change: c.4800del on transcript NM_000260.4 (MANE Select); coding-DNA position 4800, one base deleted (G; older notation c.4800delG).
Protein change: p.Leu1601fs; shifts the reading frame from leucine 1601.
Molecular consequence: frameshift variant.
Genome position (GRCh38, 1-based): chr11:77,199,766, G deleted; the last of 4 consecutive G bases (chr11:77,199,763-77,199,766); deleting any one gives the same sequence. VCF-style (leftmost placement, unchanged base first): chr11-77199762-AG-A. GRCh37 (hg19) VCF-style: chr11-76910807-AG-A.
Other names: c.4686del, p.Leu1563fs (NM_001127180.2); c.4653del, p.Leu1552fs (NM_001369365.1); short protein forms L1552fs, L1563fs, L1601fs.
Identifiers: ClinVar variation 1074848 (VCV001074848.8), dbSNP rs1183407733, ClinGen allele CA600710785.
Genomic context (GRCh38, chr11:77,199,762, plus strand): 5'-AATACACCTTCACCTCCAGCAATGCTGAGGACATTCGTGACCTGGTGGTCACCTTCCTAG[AG>A]GGGCTCCGGAAGAGATCTAAGTATGTTGTGGCCCTGCAGGATAACCCCAACCCCGGTGAG-3'

ClinVar aggregate classification (germline): Pathogenic (1 of 4 stars; one submission).

Submission:

Labcorp Genetics (formerly Invitae), Labcorp
Classification: Pathogenic. Last evaluated: 2022-03-02. Review status: criteria provided, single submitter. Criteria: Invitae Variant Classification Sherloc (09022015). Collection method: clinical testing. Allele origin: germline.
Comment: This sequence change creates a premature translational stop signal (p.Leu1601Serfs*44) in the MYO7A gene. It is expected to result in an absent or disrupted protein product. Loss-of-function variants in MYO7A are known to be pathogenic (PMID: 8900236, 25404053). For these reasons, this variant has been classified as Pathogenic. ClinVar contains an entry for this variant (Variation ID: 1074848). This variant has not been reported in the literature in individuals affected with MYO7A-related conditions. This variant is present in population databases (no rsID available, gnomAD 0.01%).

Literature cited by the submitters: PubMed 8900236; PubMed 25404053.